The following is an entry in ClinVar:

NM_001498.4(GCLC):c.331G>A (p.Gly111Arg)

Gene: GCLC (glutamate-cysteine ligase catalytic subunit; minus strand). Cytogenetic location: 6p12.1.
Variant type: single nucleotide variant.
Coding change: c.331G>A on transcript NM_001498.4 (MANE Select); coding-DNA position 331, G replaced by A.
Protein change: p.Gly111Arg; replaces glycine 111 with arginine.
Molecular consequence: missense variant.
Genome position (GRCh38, 1-based): chr6:53,520,893, C>T on the plus strand (G>A on the coding strand, the complement: GCLC is on the minus strand). VCF-style: chr6-53520893-C-T. GRCh37 (hg19) VCF-style: chr6-53385691-C-T.
Other names: c.331G>A, p.Gly111Arg (NM_001197115.2); short protein forms G111R.
Identifiers: ClinVar variation 2192651 (VCV002192651.4), dbSNP rs577867937, ClinGen allele CA3860390.

ClinVar aggregate classification (germline): Uncertain significance. Review status: criteria provided, multiple submitters, no conflicts (2 of 4 stars). 2 submissions from 2 submitters: Uncertain significance (2). Last evaluated 2024-10-22.

Allele frequency attached by ClinVar (database versions not stated): TOPMed 0.00007; gnomAD 0.00008; gnomAD exomes 0.00015; ExAC 0.00026.
gnomAD v4.1: 234 of 1,613,826 alleles (0.014%); highest among the groups gnomAD compares: South Asian, 0.17%; no homozygotes.

Submissions (2):

Blueprint Genetics
Classification: Uncertain significance. Last evaluated: 2024-10-22. Review status: criteria provided, single submitter. Criteria: ACMG Guidelines, 2015. Collection method: clinical testing. Allele origin: germline.

Labcorp Genetics (formerly Invitae), Labcorp
Classification: Uncertain significance. Last evaluated: 2022-08-19. Review status: criteria provided, single submitter. Criteria: Invitae Variant Classification Sherloc (09022015). Collection method: clinical testing. Allele origin: germline.
Comment: In summary, the available evidence is currently insufficient to determine the role of this variant in disease. Therefore, it has been classified as a Variant of Uncertain Significance. Algorithms developed to predict the effect of missense changes on protein structure and function are either unavailable or do not agree on the potential impact of this missense change (SIFT: "Tolerated"; PolyPhen-2: "Probably Damaging"; Align-GVGD: "Class C0"). This sequence change replaces glycine, which is neutral and non-polar, with arginine, which is basic and polar, at codon 111 of the GCLC protein (p.Gly111Arg). This variant is present in population databases (rs577867937, gnomAD 0.2%). This variant has not been reported in the literature in individuals affected with GCLC-related conditions.